The following is an entry in ClinVar:

NM_203446.3(SYNJ1):c.*257G>A

Gene: SYNJ1 (synaptojanin 1; minus strand). Cytogenetic location: 21q22.11.
Variant type: single nucleotide variant.
Coding change: c.*257G>A on transcript NM_203446.3 (MANE Select); 257 bases downstream of the stop codon, G replaced by A.
Molecular consequence: 3 prime UTR variant. On other transcripts: missense variant (2).
Genome position (GRCh38, 1-based): chr21:32,631,548, C>T on the plus strand (G>A on the coding strand, the complement: SYNJ1 is on the minus strand). VCF-style: chr21-32631548-C-T. GRCh37 (hg19) VCF-style: chr21-34003858-C-T.
Other names: c.*257G>A (NM_001160302.2); c.4028G>A, p.Arg1343Gln (NM_001160306.2); c.4286G>A, p.Arg1429Gln (NM_003895.4); short protein forms R1343Q, R1429Q.
Identifiers: ClinVar variation 1023642 (VCV001023642.9), dbSNP rs112469776, ClinGen allele CA10003145.

ClinVar aggregate classification (germline): Uncertain significance. Review status: criteria provided, multiple submitters, no conflicts (2 of 4 stars). 3 submissions from 3 submitters: Uncertain significance (3). Last evaluated 2024-01-02.

Conditions:
Developmental and epileptic encephalopathy, 53. Also called: Epileptic encephalopathy, early infantile, 53. Identifiers: MedGen C4479313, MONDO:0033362, OMIM 617389.
Early-onset Parkinson disease 20. Also called: PARKINSON DISEASE 20, AUTOSOMAL RECESSIVE EARLY-ONSET. Identifiers: Orphanet 391411, MedGen C3809824, MONDO:0014233, OMIM 615530.

Allele frequency attached by ClinVar (database versions not stated): TOPMed 0.00002.
gnomAD v4.1: 21 of 1,613,940 alleles (0.0013%); highest among the groups gnomAD compares: Middle Eastern, 0.016%; no homozygotes.

Submissions (3):

Labcorp Genetics (formerly Invitae), Labcorp
Classification: Uncertain significance for Developmental and epileptic encephalopathy, 53; Early-onset Parkinson disease 20. Last evaluated: 2024-01-02. Review status: criteria provided, single submitter. Criteria: Invitae Variant Classification Sherloc (09022015). Collection method: clinical testing. Allele origin: germline.
Comment: This sequence change replaces arginine, which is basic and polar, with glutamine, which is neutral and polar, at codon 1429 of the SYNJ1 protein (p.Arg1429Gln). This variant is present in population databases (rs112469776, gnomAD 0.007%). This variant has not been reported in the literature in individuals affected with SYNJ1-related conditions. ClinVar contains an entry for this variant (Variation ID: 1023642). An algorithm developed to predict the effect of missense changes on protein structure and function (PolyPhen-2) suggests that this variant is likely to be tolerated. In summary, the available evidence is currently insufficient to determine the role of this variant in disease. Therefore, it has been classified as a Variant of Uncertain Significance.

Blueprint Genetics
Classification: Uncertain significance. Last evaluated: 2022-03-31. Review status: criteria provided, single submitter. Criteria: ACMG Guidelines, 2015. Collection method: clinical testing. Allele origin: germline.

Department of Pathology and Laboratory Medicine, Sinai Health System
Classification: Uncertain significance for Developmental and epileptic encephalopathy, 53; Early-onset Parkinson disease 20. Last evaluated: 2021-08-06. Review status: criteria provided, single submitter. Criteria: ACMG Guidelines, 2015. Collection method: research. Allele origin: germline.